The following is an entry in ClinVar:

NM_000179.3(MSH6):c.3085T>C (p.Leu1029=)

Gene: MSH6 (mutS homolog 6; plus strand). Cytogenetic location: 2p16.3.
Variant type: single nucleotide variant.
Coding change: c.3085T>C on transcript NM_000179.3 (MANE Select); coding-DNA position 3085, T replaced by C.
Protein change: p.Leu1029=; no amino-acid change (leucine 1029 retained).
Molecular consequence: synonymous variant.
Genome position (GRCh38, 1-based): chr2:47,801,068, T>C. VCF-style: chr2-47801068-T-C. GRCh37 (hg19) VCF-style: chr2-48028207-T-C.
Other names: c.2695T>C, p.Leu899= (NM_001281492.2); c.2179T>C, p.Leu727= (NM_001281493.2, NM_001281494.2).
Identifiers: ClinVar variation 1571762 (VCV001571762.9), dbSNP rs2104439464, ClinGen allele CA426121834.

ClinVar aggregate classification (germline): Benign/Likely benign. Review status: criteria provided, multiple submitters, no conflicts (2 of 4 stars). 2 submissions from 2 submitters: Benign (1); Likely benign (1). Last evaluated 2025-01-03.

Conditions:
Hereditary nonpolyposis colorectal neoplasms. Identifiers: MedGen C0009405, MeSH D003123.
Lynch syndrome 5 (LYNCH5). Also called: Hereditary non-polyposis colorectal cancer, type 5; Colorectal cancer, hereditary nonpolyposis, type 5. Identifiers: Orphanet 144, MedGen C1833477, MONDO:0013710, OMIM 614350. Disease mechanism: loss of function.

Submissions (2):

Myriad Genetics, Inc.
Classification: Benign for Lynch syndrome 5. Last evaluated: 2025-01-03. Review status: criteria provided, single submitter. Criteria: Myriad Autosomal Dominant, Autosomal Recessive and X-Linked Classification Criteria (2023). Collection method: clinical testing. Allele origin: unknown.
Comment: This variant is considered benign. This variant is a silent/synonymous amino acid change and it is not expected to impact splicing.

Labcorp Genetics (formerly Invitae), Labcorp
Classification: Likely benign for Hereditary nonpolyposis colorectal neoplasms. Last evaluated: 2024-03-28. Review status: criteria provided, single submitter. Criteria: Invitae Variant Classification Sherloc (09022015). Collection method: clinical testing. Allele origin: germline.